The following is an entry in ClinVar:

NM_004415.4(DSP):c.4022G>A (p.Arg1341His)

Gene: DSP (desmoplakin; plus strand). Cytogenetic location: 6p24.3.
Variant type: single nucleotide variant.
Coding change: c.4022G>A on transcript NM_004415.4 (MANE Select); coding-DNA position 4022, G replaced by A.
Protein change: p.Arg1341His; replaces arginine 1341 with histidine.
Molecular consequence: missense variant. On other transcripts: intron variant (1).
Genome position (GRCh38, 1-based): chr6:7,580,212, G>A. VCF-style: chr6-7580212-G-A. GRCh37 (hg19) VCF-style: chr6-7580445-G-A.
Other names: c.4022G>A, p.Arg1341His (NM_001319034.2); c.3582+440G>A (NM_001008844.3); c.4022G>A (LRG_423t1); short protein forms R1341H.
Identifiers: ClinVar variation 566448 (VCV000566448.23), dbSNP rs112242645, ClinGen allele CA039887.
Genomic context (GRCh38, chr6:7,580,212, plus strand): 5'-AGGACAAAAATAAGGAGATCGAGAGACTCAAAGCTGAGTTTCAGGAGGAGGCCAAGCGCC[G>A]CTGGGAATATGAAAATGAACTGAGTAAGGTAAGAAACAATTATGATGAGGAGATCATTAG-3'
Protein context (NP_004406.2, residues 1331-1351): KAEFQEEAKR[Arg1341His]WEYENELSKV

ClinVar aggregate classification (germline): Conflicting classifications of pathogenicity. Review status: criteria provided, conflicting classifications (1 of 4 stars). 7 submissions from 7 submitters: Uncertain significance (5); Likely benign (2). Last evaluated 2026-06-03.

Conditions:
Arrhythmogenic right ventricular dysplasia 8 (ARVD8). Also called: Arrhythmogenic Right Ventricular Dysplasia/Cardiomyopathy 8; ARRHYTHMOGENIC RIGHT VENTRICULAR DYSPLASIA, FAMILIAL, 8; ARRHYTHMOGENIC RIGHT VENTRICULAR CARDIOMYOPATHY 8. Identifiers: MedGen C1843896, MONDO:0011831, OMIM 607450.
Arrhythmogenic cardiomyopathy with wooly hair and keratoderma. Also called: Arrhythmogenic cardiomyopathy with woolly hair and keratoderma; Carvajal syndrome; PALMOPLANTAR KERATODERMA WITH LEFT VENTRICULAR CARDIOMYOPATHY AND WOOLLY HAIR; Dilated cardiomyopathy with woolly hair and keratoderma. Identifiers: Orphanet 65282, MedGen C1854063, MONDO:0011581, OMIM 605676.
Woolly hair-skin fragility syndrome (WHSF). Identifiers: Orphanet 293165, MedGen C1843292, MONDO:0957307, OMIM 620415.
Lethal acantholytic epidermolysis bullosa (EBLA). Identifiers: Orphanet 158687, MedGen C1864826, MONDO:0012323, OMIM 609638.
Keratosis palmoplantaris striata 2. Also called: Keratosis palmoplantaris striata II; KERATODERMA, PALMOPLANTAR, STRIATE FORM II; STRIATE PALMOPLANTAR KERATODERMA II. Identifiers: MedGen C1852127, MONDO:0013034, OMIM 612908.
Cardiomyopathy, dilated, with wooly hair, keratoderma, and tooth agenesis. Also called: Cardiomyopathy, dilated, with woolly hair, keratoderma, and tooth agenesis; Erythrokeratodermia-cardiomyopathy syndrome. Identifiers: Orphanet 476096, Orphanet 65282, MedGen C4014393, MONDO:0014355, OMIM 615821.
Cardiovascular phenotype. Identifiers: MedGen CN230736.
Cardiomyopathy (CMYO). Also called: Cardiomyopathies. Identifiers: Orphanet 167848, MedGen C0878544, MONDO:0004994, HP:0001638. Inheritance: Various modes of inheritance.

Allele frequency attached by ClinVar (database versions not stated): gnomAD 0.00006 and 0.00008; gnomAD exomes 0.00006; ExAC 0.00007; TOPMed 0.00007; 1000 Genomes Project 30x 0.00016; 1000 Genomes Project 0.00020.
gnomAD v4.1: 91 of 1,613,962 alleles (0.0056%); highest among the groups gnomAD compares: East Asian, 0.033%; no homozygotes.

Submissions (7):

Ambry Genetics
Classification: Uncertain significance for Cardiovascular phenotype. Last evaluated: 2026-06-03. Review status: criteria provided, single submitter. Criteria: Ambry Variant Classification Scheme 2023. Collection method: clinical testing. Allele origin: germline.
Comment: The c.4022G>A (p.R1341H) alteration is located in exon 23 (coding exon 23) of the DSP gene. This alteration results from a G to A substitution at nucleotide position 4022, causing the arginine (R) at amino acid position 1341 to be replaced by a histidine (H). Based on data from gnomAD, the A allele has an overall frequency of 0.006% (17/282014) total alleles studied. The highest observed frequency was 0.035% (7/19932) of East Asian alleles. Based on insufficient or conflicting evidence, the clinical significance of this alteration remains unclear.

Labcorp Genetics (formerly Invitae), Labcorp
Classification: Likely benign for Arrhythmogenic cardiomyopathy with wooly hair and keratoderma; Arrhythmogenic right ventricular dysplasia 8. Last evaluated: 2025-11-27. Review status: criteria provided, single submitter. Criteria: Invitae Variant Classification Sherloc (09022015). Collection method: clinical testing. Allele origin: germline.

GeneDx
Classification: Uncertain significance. Last evaluated: 2024-11-05. Review status: criteria provided, single submitter. Criteria: GeneDx Variant Classification Process June 2021. Collection method: clinical testing. Allele origin: germline. Affected: yes.
Comment: Identified in patients with DCM in published literature (PMID: 27532257, 37652022); Identified in a cohort of stillbirths without chromosomal abnormalities in published literature (PMID: 30615648); In silico analysis supports that this missense variant has a deleterious effect on protein structure/function; This variant is associated with the following publications: (PMID: 27532257, 37652022, 32879264, 30615648)

Color Diagnostics, LLC DBA Color Health
Classification: Likely benign for Cardiomyopathy. Last evaluated: 2024-10-07. Review status: criteria provided, single submitter. Criteria: ACMG Guidelines, 2015. Collection method: clinical testing. Allele origin: germline.

Blueprint Genetics
Classification: Uncertain significance. Last evaluated: 2024-03-08. Review status: criteria provided, single submitter. Criteria: ACMG Guidelines, 2015. Collection method: clinical testing. Allele origin: germline.

All of Us Research Program, National Institutes of Health
Classification: Uncertain significance for Arrhythmogenic cardiomyopathy with wooly hair and keratoderma. Last evaluated: 2024-01-11. Review status: criteria provided, single submitter. Criteria: ACMG Guidelines, 2015. Collection method: clinical testing. Allele origin: germline. Inheritance: Autosomal dominant inheritance. Observed: 6 variant alleles, 6 heterozygotes.
Comment: This missense variant replaces arginine with histidine at codon 1341 of the DSP protein. Computational prediction suggests that this variant may not impact protein structure and function (internally defined REVEL score threshold <= 0.5, PMID: 27666373). To our knowledge, functional studies have not been reported for this variant. This variant has been reported in individuals affected with arrhythmogenic right ventricular cardiomyopathy, dilated cardiomyopathy, or stillbirth (PMID: 27532257,30615648, 32879264, Fish 2010, dissertation, University of Cape Town). This variant has also been identified in 17/282014 chromosomes in the general population by the Genome Aggregation Database (gnomAD). The available evidence is insufficient to determine the role of this variant in disease conclusively. Therefore, this variant is classified as a Variant of Uncertain Significance.

This study involves interpretation of variants in research participants for the purpose of population health screening. Participant phenotype was not available at the time of variant classification. Additional details can be found in publication PMID: 35346344, PMCID: PMC8962531

Fulgent Genetics
Classification: Uncertain significance for Arrhythmogenic cardiomyopathy with wooly hair and keratoderma; Arrhythmogenic right ventricular dysplasia 8; Lethal acantholytic epidermolysis bullosa; Keratosis palmoplantaris striata 2; Cardiomyopathy, dilated, with wooly hair, keratoderma, and tooth agenesis. Last evaluated: 2021-09-23. Review status: criteria provided, single submitter. Criteria: ACMG Guidelines, 2015. Collection method: clinical testing. Allele origin: unknown.

Literature cited by the submitters: PubMed 27532257 (cited by All of Us Research Program, National Institutes of Health); PubMed 30615648 (cited by All of Us Research Program, National Institutes of Health); PubMed 32879264 (cited by All of Us Research Program, National Institutes of Health).